The following is an entry in ClinVar:

NM_022787.4(NMNAT1):c.542A>G (p.Tyr181Cys)

Gene: NMNAT1 (nicotinamide nucleotide adenylyltransferase 1; plus strand). Cytogenetic location: 1p36.22.
Variant type: single nucleotide variant.
Coding change: c.542A>G on transcript NM_022787.4 (MANE Select); coding-DNA position 542, A replaced by G.
Protein change: p.Tyr181Cys; replaces tyrosine 181 with cysteine.
Molecular consequence: missense variant.
Genome position (GRCh38, 1-based): chr1:9,982,403, A>G. VCF-style: chr1-9982403-A-G. GRCh37 (hg19) VCF-style: chr1-10042461-A-G.
Other names: c.542A>G, p.Tyr181Cys (NM_001297778.1); short protein forms Y181C.
Identifiers: ClinVar variation 978241 (VCV000978241.6), dbSNP rs748913297, ClinGen allele CA579280.

ClinVar aggregate classification (germline): Uncertain significance. Review status: criteria provided, single submitter (1 of 4 stars). 2 submissions from 2 submitters: Uncertain significance (1). 1 of the submissions does not count toward it. Last evaluated 2020-04-11.

Conditions:
Leber congenital amaurosis 9 (LCA9). Also called: LCA 9; Amaurosis congenita of Leber, type 9; LCA9 Leber Congenital Amaurosis. Identifiers: Orphanet 65, MedGen C1837873, MONDO:0012056, OMIM 608553.

Allele frequency attached by ClinVar (database versions not stated): TOPMed below 0.00001; gnomAD 0.00001; gnomAD exomes 0.00001.
gnomAD v4.1: 16 of 1,614,014 alleles (0.00099%); highest among the groups gnomAD compares: South Asian, 0.0066%; no homozygotes.

Submissions (2):

Labcorp Genetics (formerly Invitae), Labcorp
Classification: Uncertain significance for Leber congenital amaurosis 9. Last evaluated: 2020-04-11. Review status: criteria provided, single submitter. Criteria: Invitae Variant Classification Sherloc (09022015). Collection method: clinical testing. Allele origin: germline.
Comment: This sequence change replaces tyrosine with cysteine at codon 181 of the NMNAT1 protein (p.Tyr181Cys). The tyrosine residue is moderately conserved and there is a large physicochemical difference between tyrosine and cysteine. This variant is present in population databases (rs748913297, ExAC 0.02%). Algorithms developed to predict the effect of missense changes on protein structure and function are either unavailable or do not agree on the potential impact of this missense change (SIFT: "Deleterious"; PolyPhen-2: "Benign"; Align-GVGD: "Class C0"). In summary, the available evidence is currently insufficient to determine the role of this variant in disease. Therefore, it has been classified as a Variant of Uncertain Significance. This variant has been observed in individual(s) with Leber congenital amaurosis (PMID: 22842229). It has also been observed to segregate with disease in related individuals.

Laboratory of Genetics in Ophthalmology, Institut Imagine
Classification: Likely pathogenic for Leber congenital amaurosis 9. Review status: no assertion criteria provided. Collection method: research. Allele origin: inherited. Affected: yes. Observed: 3 variant alleles. Not counted in ClinVar's aggregate classification.

Literature cited by the submitters: PubMed 22842229 (cited by Labcorp Genetics (formerly Invitae), Labcorp and Laboratory of Genetics in Ophthalmology, Institut Imagine).